The following is an entry in ClinVar:

ClinVar aggregate classification (germline): Uncertain significance (1 of 4 stars; one submission).

gnomAD v4.1: 5 of 1,611,258 alleles (0.00031%); highest among the groups gnomAD compares: Non-Finnish European, 0.00042%; no homozygotes.

Submission:

Labcorp Genetics (formerly Invitae), Labcorp
Classification: Uncertain significance. Last evaluated: 2022-05-25. Review status: criteria provided, single submitter. Criteria: Invitae Variant Classification Sherloc (09022015). Collection method: clinical testing. Allele origin: germline.
Comment: This sequence change replaces lysine, which is basic and polar, with methionine, which is neutral and non-polar, at codon 436 of the RELB protein (p.Lys436Met). This variant is present in population databases (no rsID available, gnomAD 0.007%). In summary, the available evidence is currently insufficient to determine the role of this variant in disease. Therefore, it has been classified as a Variant of Uncertain Significance. Algorithms developed to predict the effect of missense changes on protein structure and function are either unavailable or do not agree on the potential impact of this missense change (SIFT: "Deleterious"; PolyPhen-2: "Possibly Damaging"; Align-GVGD: "Class C0"). This variant has not been reported in the literature in individuals affected with RELB-related conditions.

NM_006509.4(RELB):c.1307A>T (p.Lys436Met)

Gene: RELB (RELB proto-oncogene, NF-kB subunit; plus strand). Cytogenetic location: 19q13.32.
Variant type: single nucleotide variant.
Coding change: c.1307A>T on transcript NM_006509.4 (MANE Select); coding-DNA position 1307, A replaced by T.
Protein change: p.Lys436Met; replaces lysine 436 with methionine.
Molecular consequence: missense variant.
Genome position (GRCh38, 1-based): chr19:45,034,481, A>T. VCF-style: chr19-45034481-A-T. GRCh37 (hg19) VCF-style: chr19-45537739-A-T.
Other names: c.1298A>T, p.Lys433Met (NM_001411087.1); short protein forms K436M, K433M.
Identifiers: ClinVar variation 1958331 (VCV001958331.5), dbSNP rs1275788865, ClinGen allele CA406307464.
Genomic context (GRCh38, chr19:45,034,481, plus strand): 5'-ACAGGGGTCCTCATCTCTGCCTTCCCTCAGACCCCCATGGCATCGAGAGCAAACGGCGGA[A>T]GAAAAAGCCGGCCATCCTGGACCACTTCCTGCCCAACCACGGCTCAGGTGGGTCCCAGCT-3'
Protein context (NP_006500.2, residues 426-446): DPHGIESKRR[Lys436Met]KKPAILDHFL